The following is an entry in ClinVar:

NM_000979.4(RPL18):c.346G>T (p.Ala116Ser)

Gene: RPL18 (ribosomal protein L18; minus strand). Cytogenetic location: 19q13.33.
Variant type: single nucleotide variant.
Coding change: c.346G>T on transcript NM_000979.4 (MANE Select); coding-DNA position 346, G replaced by T.
Protein change: p.Ala116Ser; replaces alanine 116 with serine.
Molecular consequence: missense variant. On other transcripts: non-coding transcript variant (1).
Genome position (GRCh38, 1-based): chr19:48,616,154, C>A on the plus strand (G>T on the coding strand, the complement: RPL18 is on the minus strand). VCF-style: chr19-48616154-C-A. GRCh37 (hg19) VCF-style: chr19-49119411-C-A.
Other names: c.259G>T, p.Ala87Ser (NM_001270490.2); short protein forms A116S, A87S.
Identifiers: ClinVar variation 3688904 (VCV003688904.2).

ClinVar aggregate classification (germline): Uncertain significance (1 of 4 stars; one submission).

gnomAD v4.1: 1 of 1,614,140 alleles (0.000062%); highest among the groups gnomAD compares: Non-Finnish European, 0.000085%; no homozygotes.

Submission:

Labcorp Genetics (formerly Invitae), Labcorp
Classification: Uncertain significance. Last evaluated: 2025-06-29. Review status: criteria provided, single submitter. Criteria: Invitae Variant Classification Sherloc (09022015). Collection method: clinical testing. Allele origin: germline.
Comment: This sequence change replaces alanine, which is neutral and non-polar, with serine, which is neutral and polar, at codon 116 of the RPL18 protein (p.Ala116Ser). This variant is not present in population databases (gnomAD no frequency). This variant has not been reported in the literature in individuals affected with RPL18-related conditions. ClinVar contains an entry for this variant (Variation ID: 3688904). An algorithm developed to predict the effect of missense changes on protein structure and function (PolyPhen-2) suggests that this variant is likely to be tolerated. In summary, the available evidence is currently insufficient to determine the role of this variant in disease. Therefore, it has been classified as a Variant of Uncertain Significance.